The following is an entry in ClinVar:

ClinVar aggregate classification (germline): Uncertain significance. Review status: criteria provided, multiple submitters, no conflicts (2 of 4 stars). 4 submissions from 4 submitters: Uncertain significance (3). 1 of the submissions does not count toward it. Last evaluated 2024-11-09.

Conditions:
Nemaline myopathy 2 (NEM2). Also called: Nemaline myopathy 2, autosomal recessive. Identifiers: MedGen C1850569, MONDO:0009725, OMIM 256030.

Allele frequency attached by ClinVar (database versions not stated): gnomAD exomes 0.00003 and 0.00008; ExAC 0.00012; ESP Exome Variant Server 0.00033; TOPMed 0.00037; gnomAD 0.00041 and 0.00044.
gnomAD v4.1: 108 of 1,606,048 alleles (0.0067%); highest among the groups gnomAD compares: African/African-American, 0.14%; no homozygotes.

Submissions (5):

Labcorp Genetics (formerly Invitae), Labcorp
Classification: Uncertain significance for Nemaline myopathy 2. Last evaluated: 2024-11-09. Review status: criteria provided, single submitter. Criteria: Invitae Variant Classification Sherloc (09022015). Collection method: clinical testing. Allele origin: germline.
Comment: This sequence change falls in intron 164 of the NEB gene. It does not directly change the encoded amino acid sequence of the NEB protein. It affects a nucleotide within the consensus splice site. This variant is present in population databases (rs374499643, gnomAD 0.1%). This variant has not been reported in the literature in individuals affected with NEB-related conditions. ClinVar contains an entry for this variant (Variation ID: 572566). Variants that disrupt the consensus splice site are a relatively common cause of aberrant splicing (PMID: 17576681, 9536098). Algorithms developed to predict the effect of sequence changes on RNA splicing suggest that this variant may disrupt the consensus splice site. In summary, the available evidence is currently insufficient to determine the role of this variant in disease. Therefore, it has been classified as a Variant of Uncertain Significance.

Revvity Omics, Revvity
Classification: Uncertain significance. Last evaluated: 2020-09-21. Review status: criteria provided, single submitter. Criteria: ACMG Guidelines, 2015. Collection method: clinical testing. Allele origin: germline.

GeneDx
Classification: Uncertain significance. Last evaluated: 2020-03-16. Review status: criteria provided, single submitter. Criteria: GeneDx Variant Classification Process June 2021. Collection method: clinical testing. Allele origin: germline. Affected: yes.
Comment: Has not been previously published as pathogenic or benign to our knowledge; In-silico analysis, which includes splice predictors and evolutionary conservation, is inconclusive as to whether the variant alters gene splicing. In the absence of RNA/functional studies, the actual effect of this sequence change is unknown.

Natera, Inc.
Classification: Uncertain significance for Nemaline myopathy type 2. Last evaluated: 2019-11-11. Review status: no assertion criteria provided. Collection method: clinical testing. Allele origin: germline. Not counted in ClinVar's aggregate classification.

Dr. Peter K. Rogan Lab, Western University
No classification provided (evidence only). Condition: Familial cancer of breast. Review status: no classification provided. Collection method: in vitro. Allele origin: not applicable. Functional consequence: retained intron. Not counted in ClinVar's aggregate classification.

Literature cited by the submitters: PubMed 17576681 (cited by Labcorp Genetics (formerly Invitae), Labcorp); PubMed 9536098 (cited by Labcorp Genetics (formerly Invitae), Labcorp).

NM_001164508.2(NEB):c.23557-3C>G

Genes: RIF1 (replication timing regulatory factor 1; plus strand), NEB (nebulin; minus strand). Cytogenetic location: 2q23.3.
Variant type: single nucleotide variant.
Coding change: c.23557-3C>G on transcript NM_001164508.2 (MANE Select); 3 bases into the intron before coding-DNA position 23557, C replaced by G.
Molecular consequence: intron variant.
Genome position (GRCh38, 1-based): chr2:151,506,261, G>C on the plus strand (C>G on the coding strand, the complement: NEB is on the minus strand). VCF-style: chr2-151506261-G-C. GRCh37 (hg19) VCF-style: chr2-152362775-G-C.
Other names: c.18454-3C>G (NM_004543.5); c.23557-3C>G (NM_001164507.2); c.23662-3C>G (NM_001271208.2).
Identifiers: ClinVar variation 572566 (VCV000572566.17), dbSNP rs374499643, ClinGen allele CA1906321.